The following is an entry in ClinVar:

ClinVar aggregate classification (germline): Uncertain significance (1 of 4 stars; one submission).

Conditions:
Hereditary cancer-predisposing syndrome. Also called: Neoplastic Syndromes, Hereditary; Tumor predisposition; Hereditary neoplastic syndrome; Hereditary Cancer Syndrome. Identifiers: Orphanet 140162, MedGen C0027672, MeSH D009386, MONDO:0015356.

Submission:

Ambry Genetics
Classification: Uncertain significance for Hereditary cancer-predisposing syndrome. Last evaluated: 2026-07-07. Review status: criteria provided, single submitter. Criteria: Ambry Variant Classification Scheme 2023. Collection method: clinical testing. Allele origin: germline.
Comment: The p.S564L variant (also known as c.1691C>T), located in coding exon 11 of the PDGFRA gene, results from a C to T substitution at nucleotide position 1691. The serine at codon 564 is replaced by leucine, an amino acid with dissimilar properties. This amino acid position is conserved. In addition, this alteration is predicted to be deleterious by in silico analysis. Based on the available evidence, the clinical significance of this variant remains unclear.

NM_006206.6(PDGFRA):c.1691C>T (p.Ser564Leu)

Gene: PDGFRA (platelet derived growth factor receptor alpha; plus strand). Cytogenetic location: 4q12.
Variant type: single nucleotide variant.
Coding change: c.1691C>T on transcript NM_006206.6 (MANE Select); coding-DNA position 1691, C replaced by T.
Protein change: p.Ser564Leu; replaces serine 564 with leucine.
Molecular consequence: missense variant.
Genome position (GRCh38, 1-based): chr4:54,274,878, C>T. VCF-style: chr4-54274878-C-T. GRCh37 (hg19) VCF-style: chr4-55141045-C-T.
Other names: c.1691C>T, p.Ser564Leu (NM_001347827.2, NM_001347829.2); c.1766C>T, p.Ser589Leu (NM_001347828.2); c.1730C>T, p.Ser577Leu (NM_001347830.2); short protein forms S564L, S577L, S589L.
Identifiers: ClinVar variation 5026427 (VCV005026427.1).